The following is an entry in ClinVar:

NM_020810.3(TRMT5):c.755T>C (p.Met252Thr)

Gene: TRMT5 (tRNA methyltransferase 5; minus strand). Cytogenetic location: 14q23.1.
Variant type: single nucleotide variant.
Coding change: c.755T>C on transcript NM_020810.3 (MANE Select); coding-DNA position 755, T replaced by C.
Protein change: p.Met252Thr; replaces methionine 252 with threonine.
Molecular consequence: missense variant.
Genome position (GRCh38, 1-based): chr14:60,977,551, A>G on the plus strand (T>C on the coding strand, the complement: TRMT5 is on the minus strand). VCF-style: chr14-60977551-A-G. GRCh37 (hg19) VCF-style: chr14-61444269-A-G.
Other names: c.839T>C, p.Met280Thr (NM_001350253.1); c.836T>C, p.Met279Thr (NM_001350254.1); short protein forms M280T, M252T, M279T.
Identifiers: ClinVar variation 1965921 (VCV001965921.5), dbSNP rs146979402, ClinGen allele CA7213840.

ClinVar aggregate classification (germline): Uncertain significance (1 of 4 stars; one submission).

Allele frequency attached by ClinVar (database versions not stated): gnomAD exomes below 0.00001; ExAC 0.00001; gnomAD 0.00001; TOPMed 0.00002; ESP Exome Variant Server 0.00008.
gnomAD v4.1: 6 of 1,611,286 alleles (0.00037%); highest among the groups gnomAD compares: Non-Finnish European, 0.00051%; no homozygotes.

Submission:

Labcorp Genetics (formerly Invitae), Labcorp
Classification: Uncertain significance. Last evaluated: 2024-02-17. Review status: criteria provided, single submitter. Criteria: Invitae Variant Classification Sherloc (09022015). Collection method: clinical testing. Allele origin: germline.
Comment: This sequence change replaces methionine, which is neutral and non-polar, with threonine, which is neutral and polar, at codon 252 of the TRMT5 protein (p.Met252Thr). This variant is not present in population databases (gnomAD no frequency). This variant has not been reported in the literature in individuals affected with TRMT5-related conditions. ClinVar contains an entry for this variant (Variation ID: 1965921). Advanced modeling of protein sequence and biophysical properties (such as structural, functional, and spatial information, amino acid conservation, physicochemical variation, residue mobility, and thermodynamic stability) performed at Invitae indicates that this missense variant is expected to disrupt TRMT5 protein function with a positive predictive value of 80%. In summary, the available evidence is currently insufficient to determine the role of this variant in disease. Therefore, it has been classified as a Variant of Uncertain Significance.